The following is an entry in ClinVar:

NM_000503.6(EYA1):c.*556A>G

Gene: EYA1 (EYA transcriptional coactivator and phosphatase 1; minus strand). Cytogenetic location: 8q13.3.
Variant type: single nucleotide variant.
Coding change: c.*556A>G on transcript NM_000503.6 (MANE Select); 556 bases downstream of the stop codon, A replaced by G.
Molecular consequence: 3 prime UTR variant.
Genome position (GRCh38, 1-based): chr8:71,198,784, T>C on the plus strand (A>G on the coding strand, the complement: EYA1 is on the minus strand). VCF-style: chr8-71198784-T-C. GRCh37 (hg19) VCF-style: chr8-72111019-T-C.
Other names: c.*556A>G (NM_001288574.2, NM_001288575.2, NM_001370333.1 and 5 more transcripts).
Identifiers: ClinVar variation 908581 (VCV000908581.4), dbSNP rs553030149, ClinGen allele CA179471810.

ClinVar aggregate classification (germline): Benign. Review status: criteria provided, single submitter (1 of 4 stars). 2 submissions from 1 submitter: Benign (2). Last evaluated 2018-01-13.

Conditions:
Branchiootic syndrome 1 (BOS1). Also called: BO SYNDROME 1; BRANCHIOOTIC DYSPLASIA. Identifiers: MedGen C1865143, MONDO:0011258, OMIM 602588.
Otofaciocervical syndrome 1 (OTFCS). Identifiers: MedGen C3714941, MONDO:0024532, OMIM 166780.

Allele frequency attached by ClinVar (database versions not stated): gnomAD 0.00003 and 0.00026; TOPMed 0.00003; 1000 Genomes Project 30x 0.00094; gnomAD exomes 0.00102; 1000 Genomes Project 0.00120.
gnomAD v4.1: 44 of 149,832 alleles (0.029%); highest among the groups gnomAD compares: South Asian, 0.74%; 1 homozygote.

Submissions (2):

Illumina Laboratory Services, Illumina
Classification: Benign for Otofaciocervical syndrome 1. Last evaluated: 2018-01-13. Review status: criteria provided, single submitter. Criteria: ICSL Variant Classification Criteria 13 December 2019. Collection method: clinical testing. Allele origin: germline.
Comment: This variant was observed in the ICSL laboratory as part of a predisposition screen in an ostensibly healthy population. It had not been previously curated by ICSL or reported in the Human Gene Mutation Database (HGMD: prior to June 1st, 2018), and was therefore a candidate for classification through an automated scoring system. Utilizing variant allele frequency, disease prevalence and penetrance estimates, and inheritance mode, an automated score was calculated to assess if this variant is too frequent to cause the disease. Based on the score and internal cut-off values, a variant classified as benign is not then subjected to further curation. The score for this variant resulted in a classification of benign for this disease.

Illumina Laboratory Services, Illumina
Classification: Benign for Branchiootic syndrome. Last evaluated: 2018-01-13. Review status: criteria provided, single submitter. Criteria: ICSL Variant Classification Criteria 13 December 2019. Collection method: clinical testing. Allele origin: germline.
Comment: the same text as in the submission from Illumina Laboratory Services, Illumina above.